The following is an entry in ClinVar:

ClinVar aggregate classification (germline): Uncertain significance (1 of 4 stars; one submission).

Allele frequency attached by ClinVar (database versions not stated): gnomAD exomes below 0.00001; TOPMed 0.00001.
gnomAD v4.1: 1 of 1,613,946 alleles (0.000062%); highest among the groups gnomAD compares: East Asian, 0.0022%; no homozygotes.

Submission:

Labcorp Genetics (formerly Invitae), Labcorp
Classification: Uncertain significance. Last evaluated: 2023-09-12. Review status: criteria provided, single submitter. Criteria: Invitae Variant Classification Sherloc (09022015). Collection method: clinical testing. Allele origin: germline.
Comment: In summary, the available evidence is currently insufficient to determine the role of this variant in disease. Therefore, it has been classified as a Variant of Uncertain Significance. Advanced modeling of protein sequence and biophysical properties (such as structural, functional, and spatial information, amino acid conservation, physicochemical variation, residue mobility, and thermodynamic stability) performed at Invitae indicates that this missense variant is not expected to disrupt DCHS1 protein function. This variant has not been reported in the literature in individuals affected with DCHS1-related conditions. This variant is not present in population databases (gnomAD no frequency). This sequence change replaces asparagine, which is neutral and polar, with serine, which is neutral and polar, at codon 295 of the DCHS1 protein (p.Asn295Ser).

NM_003737.4(DCHS1):c.884A>G (p.Asn295Ser)

Gene: DCHS1 (dachsous cadherin-related 1; minus strand). Cytogenetic location: 11p15.4.
Variant type: single nucleotide variant.
Coding change: c.884A>G on transcript NM_003737.4 (MANE Select); coding-DNA position 884, A replaced by G.
Protein change: p.Asn295Ser; replaces asparagine 295 with serine.
Molecular consequence: missense variant.
Genome position (GRCh38, 1-based): chr11:6,640,730, T>C on the plus strand (A>G on the coding strand, the complement: DCHS1 is on the minus strand). VCF-style: chr11-6640730-T-C. GRCh37 (hg19) VCF-style: chr11-6661961-T-C.
Other names: short protein forms N295S.
Identifiers: ClinVar variation 2711544 (VCV002711544.3), dbSNP rs1389686483, ClinGen allele CA379439120.